The following is an entry in ClinVar:

ClinVar aggregate classification (germline): Pathogenic. Review status: reviewed by expert panel (3 of 4 stars). 3 submissions from 3 submitters: Pathogenic (1). 2 of the submissions do not count toward it. Last evaluated 2017-12-15.

Conditions:
Hereditary cancer-predisposing syndrome. Also called: Tumor predisposition; Hereditary Cancer Syndrome; Hereditary neoplastic syndrome; Neoplastic Syndromes, Hereditary. Identifiers: Orphanet 140162, MedGen C0027672, MeSH D009386, MONDO:0015356.
Breast-ovarian cancer, familial, susceptibility to, 2 (BROVCA2). Also called: BRCA2 Hereditary Breast and Ovarian Cancer. Identifiers: Orphanet 145, MedGen C2675520, MONDO:0012933, OMIM 612555. Disease mechanism: loss of function.

Submissions (3):

Evidence-based Network for the Interpretation of Germline Mutant Alleles (ENIGMA)
Classification: Pathogenic for Breast-ovarian cancer, familial, susceptibility to, 2. Last evaluated: 2017-12-15. Review status: reviewed by expert panel. Criteria: ENIGMA BRCA1/2 Classification Criteria (2017-06-29). Collection method: curation. Allele origin: germline. Study: ENIGMA.
Comment: Variant allele predicted to encode a truncated non-functional protein.

Color Diagnostics, LLC DBA Color Health
Classification: Pathogenic for Hereditary cancer-predisposing syndrome. Last evaluated: 2022-03-10. Review status: criteria provided, single submitter. Criteria: ACMG Guidelines, 2015. Collection method: clinical testing. Allele origin: germline. Not counted in ClinVar's aggregate classification.
Comment: This variant deletes 7 nucleotides in exon 11 of the BRCA2 gene, creating a frameshift and premature translation stop signal. This variant is expected to result in an absent or non-functional protein product. To our knowledge, this variant has not been reported in individuals affected with hereditary cancer in the literature. This variant has not been identified in the general population by the Genome Aggregation Database (gnomAD). Loss of BRCA2 function is a known mechanism of disease. Based on the available evidence, this variant is classified as Pathogenic.

Ambry Genetics
Classification: Pathogenic for Hereditary cancer-predisposing syndrome. Last evaluated: 2015-09-11. Review status: criteria provided, single submitter. Criteria: Ambry Variant Classification Scheme 2023. Collection method: clinical testing. Allele origin: germline. Not counted in ClinVar's aggregate classification.
Comment: The c.6567_6573delCGTAAAA pathogenic mutation, located in coding exon 10 of the BRCA2 gene, results from a deletion of 7 nucleotides at positions 6567 to 6573, causing a translational frameshift with a predicted alternate stop codon. Since frameshifts are typically deleterious in nature, this alteration is interpreted as a disease-causing mutation (ACMG Recommendations for Standards for Interpretation and Reporting of Sequence Variations. Revision 2007. Genet Med. 2008;10:294).

NM_000059.4(BRCA2):c.6567_6573del (p.Asn2189fs)

Gene: BRCA2 (BRCA2 DNA repair associated; plus strand). Cytogenetic location: 13q13.1.
Variant type: Deletion.
Coding change: c.6567_6573del on transcript NM_000059.4 (MANE Select); coding-DNA positions 6567 to 6573, 7 bases deleted (CGTAAAA; older notation c.6567_6573delCGTAAAA).
Protein change: p.Asn2189fs; shifts the reading frame from asparagine 2189.
Molecular consequence: frameshift variant.
Genome position (GRCh38, 1-based): chr13:32,340,922-32,340,928, CGTAAAA deleted; deleting any 7 consecutive bases within chr13:32,340,918-32,340,928 gives the same sequence; the c. name uses the placement nearest the transcript's 3' end. VCF-style (leftmost placement, unchanged base first): chr13-32340917-AAAAACGT-A. GRCh37 (hg19) VCF-style: chr13-32915054-AAAAACGT-A.
Other names: c.6567_6573delCGTAAAA (NM_000059.3); short protein forms N2189fs.
Identifiers: ClinVar variation 233840 (VCV000233840.7), dbSNP rs876660676, ClinGen allele CA10579702.